The following is an entry in ClinVar:

NM_001330078.2(NRXN1):c.3071-149G>A

Gene: NRXN1 (neurexin 1; minus strand). Cytogenetic location: 2p16.3.
Variant type: single nucleotide variant.
Coding change: c.3071-149G>A on transcript NM_001330078.2 (MANE Select); 149 bases into the intron before coding-DNA position 3071, G replaced by A.
Molecular consequence: intron variant.
Genome position (GRCh38, 1-based): chr2:50,472,620, C>T on the plus strand (G>A on the coding strand, the complement: NRXN1 is on the minus strand). VCF-style: chr2-50472620-C-T. GRCh37 (hg19) VCF-style: chr2-50699758-C-T.
Other names: c.2960-149G>A (NM_001330096.2, NM_001330087.2); c.3005-149G>A (NM_001330083.2, NM_001330084.2); c.2990-149G>A (NM_001330088.2); c.3068-149G>A (NM_001330093.2); c.3059-149G>A (NM_001330094.2); c.3020-149G>A (NM_001330095.2); c.3047-149G>A (NM_001330082.2, NM_001330077.2); c.3044-149G>A (NM_001330085.2); and 2 more.
Identifiers: ClinVar variation 667704 (VCV000667704.1), dbSNP rs2075233, ClinGen allele CA11185746.
Genomic context (GRCh38, chr2:50,472,620, plus strand): 5'-TTTTTCATTAAGTTAATAAAAAATTAATTTATGACTAGCTGTTTTCCCCAAAGTGCTAAA[C>T]AATAGAGACGTTTGAATAATATACTGGCACTAGGAGACATTTCTAAAAGCTATTTCCATA-3'

ClinVar aggregate classification (germline): Benign (1 of 4 stars; one submission).

Allele frequency attached by ClinVar (database versions not stated): 1000 Genomes Project 0.52436; gnomAD exomes 0.53582; TOPMed 0.54454; gnomAD 0.55193 and 0.55830.
gnomAD v4.1: 317,398 of 586,552 alleles (54%); highest among the groups gnomAD compares: Middle Eastern, 61%; 87,519 homozygotes.

Submission:

GeneDx
Classification: Benign. Last evaluated: 2018-06-14. Review status: criteria provided, single submitter. Criteria: GeneDx Variant Classification (06012015). Collection method: clinical testing. Allele origin: germline. Affected: yes.
Comment: This variant is considered likely benign or benign based on one or more of the following criteria: it is a conservative change, it occurs at a poorly conserved position in the protein, it is predicted to be benign by multiple in silico algorithms, and/or has population frequency not consistent with disease.